The following is an entry in ClinVar:

ClinVar aggregate classification (germline): Uncertain significance. Review status: criteria provided, single submitter (1 of 4 stars). 2 submissions from 2 submitters: Uncertain significance (1). 1 of the submissions does not count toward it. Last evaluated 2025-12-08.

Conditions:
Van Maldergem syndrome 1 (VMLDS1). Also called: Van Maldergem syndrome 1 (VMLDS1). Identifiers: Orphanet 314679, MedGen C4551950, MONDO:0011070, OMIM 601390.

Allele frequency attached by ClinVar (database versions not stated): gnomAD 0.00001; ExAC 0.00001; gnomAD exomes below 0.00001 and 0.00001.

Submissions (2):

Labcorp Genetics (formerly Invitae), Labcorp
Classification: Uncertain significance. Last evaluated: 2025-12-08. Review status: criteria provided, single submitter. Criteria: Invitae Variant Classification Sherloc (09022015). Collection method: clinical testing. Allele origin: germline.
Comment: This sequence change replaces phenylalanine, which is neutral and non-polar, with leucine, which is neutral and non-polar, at codon 685 of the DCHS1 protein (p.Phe685Leu). This variant is present in population databases (rs754591624, gnomAD 0.0009%). This variant has not been reported in the literature in individuals affected with DCHS1-related conditions. ClinVar contains an entry for this variant (Variation ID: 1188838). Invitae Evidence Modeling of protein sequence and biophysical properties (such as structural, functional, and spatial information, amino acid conservation, physicochemical variation, residue mobility, and thermodynamic stability) indicates that this missense variant is not expected to disrupt DCHS1 protein function with a negative predictive value of 80%. In summary, the available evidence is currently insufficient to determine the role of this variant in disease. Therefore, it has been classified as a Variant of Uncertain Significance.

Gene Discovery Core-Manton Center, Boston Children's Hospital
Classification: Uncertain significance for Van Maldergem syndrome 1. Last evaluated: 2020-02-14. Review status: no assertion criteria provided. Collection method: research. Allele origin: germline. Affected: yes. Not counted in ClinVar's aggregate classification.
Comment: This variant is interpreted as of Uncertain significance for Van Maldergem syndrome 1; Autosomal Recessive. PM2- Absent from controls or at extremely low frequency if recessive (0 homozygotes in gnomad). PM3- For recessive disorders, detected in trans with a pathogenic variant. PP3- Multiple lines of computational evidence support a deleterious effect on the gene or gene product (conservation, evolutionary, splicing impact, etc.)

NM_003737.4(DCHS1):c.2055T>G (p.Phe685Leu)

Gene: DCHS1 (dachsous cadherin-related 1; minus strand). Cytogenetic location: 11p15.4.
Variant type: single nucleotide variant.
Coding change: c.2055T>G on transcript NM_003737.4 (MANE Select); coding-DNA position 2055, T replaced by G.
Protein change: p.Phe685Leu; replaces phenylalanine 685 with leucine.
Molecular consequence: missense variant.
Genome position (GRCh38, 1-based): chr11:6,633,952, A>C on the plus strand (T>G on the coding strand, the complement: DCHS1 is on the minus strand). VCF-style: chr11-6633952-A-C. GRCh37 (hg19) VCF-style: chr11-6655183-A-C.
Other names: short protein forms F685L.
Identifiers: ClinVar variation 1188838 (VCV001188838.6), dbSNP rs754591624, ClinGen allele CA5860819.